The following is an entry in ClinVar:

NM_000875.5(IGF1R):c.2092C>A (p.Pro698Thr)

Gene: IGF1R (insulin like growth factor 1 receptor; plus strand). Cytogenetic location: 15q26.3.
Variant type: single nucleotide variant.
Coding change: c.2092C>A on transcript NM_000875.5 (MANE Select); coding-DNA position 2092, C replaced by A.
Protein change: p.Pro698Thr; replaces proline 698 with threonine.
Molecular consequence: missense variant.
Genome position (GRCh38, 1-based): chr15:98,916,767, C>A. VCF-style: chr15-98916767-C-A. GRCh37 (hg19) VCF-style: chr15-99459996-C-A.
Other names: c.2092C>A, p.Pro698Thr (NM_001291858.2); short protein forms P698T.
Identifiers: ClinVar variation 1702685 (VCV001702685.2), dbSNP rs2151682932, ClinGen allele CA393680204.

ClinVar aggregate classification (germline): Uncertain significance (1 of 4 stars; one submission).

gnomAD v4.1: 1 of 1,613,944 alleles (0.000062%); highest among the groups gnomAD compares: Non-Finnish European, 0.000085%; no homozygotes.

Submission:

GeneDx
Classification: Uncertain significance. Last evaluated: 2022-02-04. Review status: criteria provided, single submitter. Criteria: GeneDx Variant Classification Process June 2021. Collection method: clinical testing. Allele origin: germline. Affected: yes.
Comment: Not observed at significant frequency in large population cohorts (gnomAD); In silico analysis supports that this missense variant does not alter protein structure/function; Has not been previously published as pathogenic or benign to our knowledge